The following is an entry in ClinVar:

ClinVar aggregate classification (germline): Pathogenic (1 of 4 stars; one submission).

Submission:

Labcorp Genetics (formerly Invitae), Labcorp
Classification: Pathogenic. Last evaluated: 2022-06-10. Review status: criteria provided, single submitter. Criteria: Invitae Variant Classification Sherloc (09022015). Collection method: clinical testing. Allele origin: germline.
Comment: For these reasons, this variant has been classified as Pathogenic. Algorithms developed to predict the effect of sequence changes on RNA splicing suggest that this variant may disrupt the consensus splice site. This variant has not been reported in the literature in individuals affected with ERCC6-related conditions. This variant is not present in population databases (gnomAD no frequency). This sequence change creates a premature translational stop signal (p.Gln512*) in the ERCC6 gene. It is expected to result in an absent or disrupted protein product. Loss-of-function variants in ERCC6 are known to be pathogenic (PMID: 18628313, 29572252).

Literature cited by the submitters: PubMed 18628313; PubMed 29572252.

NM_000124.4(ERCC6):c.1534C>T (p.Gln512Ter)

Gene: ERCC6 (ERCC excision repair 6, chromatin remodeling factor; minus strand). Cytogenetic location: 10q11.23.
Variant type: single nucleotide variant.
Coding change: c.1534C>T on transcript NM_000124.4 (MANE Select); coding-DNA position 1534, C replaced by T.
Protein change: p.Gln512Ter; replaces glutamine 512 with a stop codon.
Molecular consequence: nonsense.
Genome position (GRCh38, 1-based): chr10:49,500,689, G>A on the plus strand (C>T on the coding strand, the complement: ERCC6 is on the minus strand). VCF-style: chr10-49500689-G-A. GRCh37 (hg19) VCF-style: chr10-50708735-G-A.
Other names: c.1534C>T, p.Gln512Ter (NM_001346440.2); short protein forms Q512*.
Identifiers: ClinVar variation 2004248 (VCV002004248.4), dbSNP rs2496050980, ClinGen allele CA376729224.
Genomic context (GRCh38, chr10:49,500,689, plus strand): 5'-CTCCCAGAATTCCTCCTGCCTGCTGGCAGTGCAATTCCCACAGCCACCTAACACCTGTCT[G>A]CTGGTACCTATGACAACAAACACCAACAAGAAAAGAGAAAATGGCAAATGGTGGATAATA-3'